The following is an entry in ClinVar:

NM_001909.5(CTSD):c.622G>A (p.Val208Ile)

Gene: CTSD (cathepsin D; minus strand). Cytogenetic location: 11p15.5.
Variant type: single nucleotide variant.
Coding change: c.622G>A on transcript NM_001909.5 (MANE Select); coding-DNA position 622, G replaced by A.
Protein change: p.Val208Ile; replaces valine 208 with isoleucine.
Molecular consequence: missense variant.
Genome position (GRCh38, 1-based): chr11:1,757,406, C>T on the plus strand (G>A on the coding strand, the complement: CTSD is on the minus strand). VCF-style: chr11-1757406-C-T. GRCh37 (hg19) VCF-style: chr11-1778636-C-T.
Other names: short protein forms V208I.
Identifiers: ClinVar variation 854119 (VCV000854119.7), dbSNP rs778031733, ClinGen allele CA5814125.

ClinVar aggregate classification (germline): Uncertain significance. Review status: criteria provided, multiple submitters, no conflicts (2 of 4 stars). 2 submissions from 2 submitters: Uncertain significance (2). Last evaluated 2026-08-03.

Conditions:
Inborn genetic diseases. Identifiers: MedGen C0950123, MeSH D030342.
Neuronal ceroid lipofuscinosis. Also called: Neuronal Ceroid Lipofuscinoses. Identifiers: Orphanet 216, Orphanet 79263, MedGen C0027877, MONDO:0016295. Disease mechanism: loss of function.

Allele frequency attached by ClinVar (database versions not stated): gnomAD 0.00002 and 0.00003; TOPMed 0.00002.
gnomAD v4.1: 25 of 1,614,076 alleles (0.0015%); highest among the groups gnomAD compares: African/African-American, 0.004%; no homozygotes.

Submissions (2):

Ambry Genetics
Classification: Uncertain significance for Inborn genetic diseases. Last evaluated: 2026-08-03. Review status: criteria provided, single submitter. Criteria: Ambry Variant Classification Scheme 2023. Collection method: clinical testing. Allele origin: germline.
Comment: The c.622G>A (p.V208I) alteration is located in exon 5 (coding exon 5) of the CTSD gene. This alteration results from a G to A substitution at nucleotide position 622, causing the valine (V) at amino acid position 208 to be replaced by an isoleucine (I). Based on data from gnomAD, the A allele has an overall frequency of 0.002% (6/282178) total alleles studied. The highest observed frequency was 0.008% (2/24910) of African alleles. Based on insufficient or conflicting evidence, the clinical significance of this alteration remains unclear.

Labcorp Genetics (formerly Invitae), Labcorp
Classification: Uncertain significance for Neuronal ceroid lipofuscinosis. Last evaluated: 2022-06-19. Review status: criteria provided, single submitter. Criteria: Invitae Variant Classification Sherloc (09022015). Collection method: clinical testing. Allele origin: germline.
Comment: This sequence change replaces valine, which is neutral and non-polar, with isoleucine, which is neutral and non-polar, at codon 208 of the CTSD protein (p.Val208Ile). This variant is present in population databases (rs778031733, gnomAD 0.008%). This variant has not been reported in the literature in individuals affected with CTSD-related conditions. ClinVar contains an entry for this variant (Variation ID: 854119). Algorithms developed to predict the effect of missense changes on protein structure and function are either unavailable or do not agree on the potential impact of this missense change (SIFT: "Deleterious"; PolyPhen-2: "Benign"; Align-GVGD: "Class C0"). In summary, the available evidence is currently insufficient to determine the role of this variant in disease. Therefore, it has been classified as a Variant of Uncertain Significance.